The following is an entry in ClinVar:

NM_020964.3(EPG5):c.5583C>T (p.Cys1861=)

Gene: EPG5 (ectopic P-granules 5 autophagy tethering factor; minus strand). Cytogenetic location: 18q12.3.
Variant type: single nucleotide variant.
Coding change: c.5583C>T on transcript NM_020964.3 (MANE Select); coding-DNA position 5583, C replaced by T.
Protein change: p.Cys1861=; no amino-acid change (cysteine 1861 retained).
Molecular consequence: synonymous variant.
Genome position (GRCh38, 1-based): chr18:45,880,159, G>A on the plus strand (C>T on the coding strand, the complement: EPG5 is on the minus strand). VCF-style: chr18-45880159-G-A. GRCh37 (hg19) VCF-style: chr18-43460124-G-A.
Other names: c.5583C>T, p.Cys1861= (LRG_1234t1).
Identifiers: ClinVar variation 466255 (VCV000466255.41), dbSNP rs200372908, ClinGen allele CA8948554.

ClinVar aggregate classification (germline): Benign/Likely benign. Review status: criteria provided, multiple submitters, no conflicts (2 of 4 stars). 6 submissions from 6 submitters: Benign (1); Likely benign (4). 1 of the submissions does not count toward it. Last evaluated 2026-01-28.

Conditions:
EPG5-related disorder. Also called: EPG5-related condition. Identifiers: MedGen CN381528.
Vici syndrome (VICIS). Identifiers: Orphanet 1493, MedGen C1855772, MONDO:0009452, OMIM 242840.

Allele frequency attached by ClinVar (database versions not stated): gnomAD exomes 0.00197 and 0.00238; ExAC 0.00252; 1000 Genomes Project 0.00319; TOPMed 0.00350; 1000 Genomes Project 30x 0.00359; gnomAD 0.00384 and 0.00399; ESP Exome Variant Server 0.00393.
gnomAD v4.1: 3,431 of 1,611,458 alleles (0.21%); highest among the groups gnomAD compares: African/African-American, 0.84%; 9 homozygotes.

Submissions (6):

Labcorp Genetics (formerly Invitae), Labcorp
Classification: Benign for Vici syndrome. Last evaluated: 2026-01-28. Review status: criteria provided, single submitter. Criteria: Invitae Variant Classification Sherloc (09022015). Collection method: clinical testing. Allele origin: germline.

CeGaT Center for Human Genetics Tuebingen
Classification: Likely benign. Last evaluated: 2026-01-01. Review status: criteria provided, single submitter. Criteria: CeGaT Center For Human Genetics Tuebingen Variant Classification Criteria Version 2. Collection method: clinical testing. Allele origin: germline. Affected: yes. Observed: 5 variant alleles.
Comment: EPG5: BP4, BP7

Blueprint Genetics
Classification: Likely benign. Last evaluated: 2024-11-25. Review status: criteria provided, single submitter. Criteria: ACMG Guidelines, 2015. Collection method: clinical testing. Allele origin: germline.

GeneDx
Classification: Likely benign. Last evaluated: 2020-11-12. Review status: criteria provided, single submitter. Criteria: GeneDx Variant Classification Process June 2021. Collection method: clinical testing. Allele origin: germline. Affected: yes.

Breakthrough Genomics
Classification: Likely benign. Review status: criteria provided, single submitter. Criteria: ACMG Guidelines, 2015. Collection method: not provided. Allele origin: germline. Inheritance: Autosomal recessive inheritance. Affected: yes.

PreventionGenetics, part of Exact Sciences
Classification: Benign for EPG5-related condition. Last evaluated: 2019-07-26. Review status: no assertion criteria provided. Collection method: clinical testing. Allele origin: germline. Not counted in ClinVar's aggregate classification.
Comment: This variant is classified as benign based on ACMG/AMP sequence variant interpretation guidelines (Richards et al. 2015 PMID: 25741868, with internal and published modifications).